The following is an entry in ClinVar:

NM_032444.4(SLX4):c.2827G>A (p.Ala943Thr)

Gene: SLX4 (SLX4 structure-specific endonuclease subunit; minus strand). Cytogenetic location: 16p13.3.
Variant type: single nucleotide variant.
Coding change: c.2827G>A on transcript NM_032444.4 (MANE Select); coding-DNA position 2827, G replaced by A.
Protein change: p.Ala943Thr; replaces alanine 943 with threonine.
Molecular consequence: missense variant.
Genome position (GRCh38, 1-based): chr16:3,590,811, C>T on the plus strand (G>A on the coding strand, the complement: SLX4 is on the minus strand). VCF-style: chr16-3590811-C-T. GRCh37 (hg19) VCF-style: chr16-3640812-C-T.
Other names: short protein forms A943T.
Identifiers: ClinVar variation 2888078 (VCV002888078.3), dbSNP rs2040579709, ClinGen allele CA394522705.

ClinVar aggregate classification (germline): Uncertain significance (1 of 4 stars; one submission).

Conditions:
Fanconi anemia (FA). Also called: Fanconi's anemia. Identifiers: Orphanet 84, MedGen C0015625, MeSH D005199, MONDO:0019391.

Allele frequency attached by ClinVar (database versions not stated): TOPMed below 0.00001.

Submission:

Labcorp Genetics (formerly Invitae), Labcorp
Classification: Uncertain significance for Fanconi anemia. Last evaluated: 2023-08-18. Review status: criteria provided, single submitter. Criteria: Invitae Variant Classification Sherloc (09022015). Collection method: clinical testing. Allele origin: germline.
Comment: This sequence change replaces alanine, which is neutral and non-polar, with threonine, which is neutral and polar, at codon 943 of the SLX4 protein (p.Ala943Thr). This variant is not present in population databases (gnomAD no frequency). This variant has not been reported in the literature in individuals affected with SLX4-related conditions. Algorithms developed to predict the effect of missense changes on protein structure and function output the following: SIFT: "Not Available"; PolyPhen-2: "Benign"; Align-GVGD: "Not Available". The threonine amino acid residue is found in multiple mammalian species, which suggests that this missense change does not adversely affect protein function. In summary, the available evidence is currently insufficient to determine the role of this variant in disease. Therefore, it has been classified as a Variant of Uncertain Significance.